The following is an entry in ClinVar:

ClinVar aggregate classification (germline): Uncertain significance (1 of 4 stars; one submission).

gnomAD v4.1: 1 of 1,613,518 alleles (0.000062%); no homozygotes.

Submission:

Labcorp Genetics (formerly Invitae), Labcorp
Classification: Uncertain significance. Last evaluated: 2024-06-12. Review status: criteria provided, single submitter. Criteria: Invitae Variant Classification Sherloc (09022015). Collection method: clinical testing. Allele origin: germline.
Comment: This sequence change replaces valine, which is neutral and non-polar, with aspartic acid, which is acidic and polar, at codon 241 of the TYMP protein (p.Val241Asp). This variant is present in population databases (rs758373793, gnomAD 0.004%). This variant has not been reported in the literature in individuals affected with TYMP-related conditions. Advanced modeling of protein sequence and biophysical properties (such as structural, functional, and spatial information, amino acid conservation, physicochemical variation, residue mobility, and thermodynamic stability) has been performed at Invitae for this missense variant, however the output from this modeling did not meet the statistical confidence thresholds required to predict the impact of this variant on TYMP protein function. In summary, the available evidence is currently insufficient to determine the role of this variant in disease. Therefore, it has been classified as a Variant of Uncertain Significance.

NM_001953.5(TYMP):c.722T>A (p.Val241Asp)

Gene: TYMP (thymidine phosphorylase; minus strand). Cytogenetic location: 22q13.33.
Variant type: single nucleotide variant.
Coding change: c.722T>A on transcript NM_001953.5 (MANE Select); coding-DNA position 722, T replaced by A.
Protein change: p.Val241Asp; replaces valine 241 with aspartic acid.
Molecular consequence: missense variant.
Genome position (GRCh38, 1-based): chr22:50,527,208, A>T on the plus strand (T>A on the coding strand, the complement: TYMP is on the minus strand). VCF-style: chr22-50527208-A-T. GRCh37 (hg19) VCF-style: chr22-50965637-A-T.
Other names: c.722T>A, p.Val241Asp (NM_001113755.3, NM_001113756.3, NM_001257988.1 and 1 more transcripts); short protein forms V241D.
Identifiers: ClinVar variation 3683891 (VCV003683891.2).